The following is an entry in ClinVar:

ClinVar aggregate classification (germline): Uncertain significance. Review status: criteria provided, multiple submitters, no conflicts (2 of 4 stars). 2 submissions from 2 submitters: Uncertain significance (2). Last evaluated 2025-11-06.

Conditions:
Inborn genetic diseases. Identifiers: MedGen C0950123, MeSH D030342.

Allele frequency attached by ClinVar (database versions not stated): gnomAD exomes 0.00001; TOPMed 0.00001.
gnomAD v4.1: 5 of 1,609,572 alleles (0.00031%); highest among the groups gnomAD compares: South Asian, 0.0011%; no homozygotes.

Submissions (2):

Ambry Genetics
Classification: Uncertain significance for Inborn genetic diseases. Last evaluated: 2025-11-06. Review status: criteria provided, single submitter. Criteria: Ambry Variant Classification Scheme 2023. Collection method: clinical testing. Allele origin: germline.

Labcorp Genetics (formerly Invitae), Labcorp
Classification: Uncertain significance. Last evaluated: 2022-08-13. Review status: criteria provided, single submitter. Criteria: Invitae Variant Classification Sherloc (09022015). Collection method: clinical testing. Allele origin: germline.
Comment: This sequence change replaces isoleucine, which is neutral and non-polar, with methionine, which is neutral and non-polar, at codon 98 of the CERKL protein (p.Ile98Met). This variant is present in population databases (no rsID available, gnomAD 0.003%). This variant has not been reported in the literature in individuals affected with CERKL-related conditions. Algorithms developed to predict the effect of missense changes on protein structure and function are either unavailable or do not agree on the potential impact of this missense change (SIFT: "Tolerated"; PolyPhen-2: "Possibly Damaging"; Align-GVGD: "Class C0"). In summary, the available evidence is currently insufficient to determine the role of this variant in disease. Therefore, it has been classified as a Variant of Uncertain Significance.

NM_201548.5(CERKL):c.294A>G (p.Ile98Met)

Gene: CERKL (CERK like autophagy regulator; minus strand). Cytogenetic location: 2q31.3.
Variant type: single nucleotide variant.
Coding change: c.294A>G on transcript NM_201548.5 (MANE Select); coding-DNA position 294, A replaced by G.
Protein change: p.Ile98Met; replaces isoleucine 98 with methionine.
Molecular consequence: missense variant. On other transcripts: non-coding transcript variant (2).
Genome position (GRCh38, 1-based): chr2:181,604,024, T>C on the plus strand (A>G on the coding strand, the complement: CERKL is on the minus strand). VCF-style: chr2-181604024-T-C. GRCh37 (hg19) VCF-style: chr2-182468751-T-C.
Other names: c.294A>G, p.Ile98Met (NM_001030311.3, NM_001030312.3, NM_001030313.3 and 3 more transcripts); c.294A>G (NM_001030311.2); short protein forms I98M.
Identifiers: ClinVar variation 2082489 (VCV002082489.2), dbSNP rs1271915141, ClinGen allele CA349730843.